The following is an entry in ClinVar:

ClinVar aggregate classification (germline): Uncertain significance (1 of 4 stars; one submission).

Conditions:
Hypertrophic cardiomyopathy. Also called: HYPERTROPHIC MYOCARDIOPATHY. Identifiers: Orphanet 217569, MedGen C0007194, MeSH D002312, MONDO:0005045, HP:0001639.

Submission:

Labcorp Genetics (formerly Invitae), Labcorp
Classification: Uncertain significance for Hypertrophic cardiomyopathy. Last evaluated: 2021-12-09. Review status: criteria provided, single submitter. Criteria: Invitae Variant Classification Sherloc (09022015). Collection method: clinical testing. Allele origin: germline.
Comment: In summary, the available evidence is currently insufficient to determine the role of this variant in disease. Therefore, it has been classified as a Variant of Uncertain Significance. Experimental studies and prediction algorithms are not available or were not evaluated, and the functional significance of this variant is currently unknown. This variant has not been reported in the literature in individuals affected with TPM1-related conditions. This sequence change is a complex rearrangement involving exons 2-9 of the TPM1 gene and minimally resulting in deletion of exons 4-8 and part of exon 9. Although the exact nature of the event is unknown, it is likely to result in an absent or disrupted protein product.

NC_000015.9:g.(?_63351742)_(63356266_?)del

Gene: TPM1 (tropomyosin 1; plus strand). Cytogenetic location: 15q22.2.
Variant type: Deletion.
Identifiers: ClinVar variation 2423475 (VCV002423475.3).